The following is an entry in ClinVar:

ClinVar aggregate classification (germline): Uncertain significance (1 of 4 stars; one submission).

Allele frequency attached by ClinVar (database versions not stated): gnomAD exomes below 0.00001.
gnomAD v4.1: 4 of 1,611,882 alleles (0.00025%); highest among the groups gnomAD compares: East Asian, 0.0022%; no homozygotes.

Submission:

Labcorp Genetics (formerly Invitae), Labcorp
Classification: Uncertain significance. Last evaluated: 2025-03-31. Review status: criteria provided, single submitter. Criteria: Invitae Variant Classification Sherloc (09022015). Collection method: clinical testing. Allele origin: germline.
Comment: This sequence change replaces isoleucine, which is neutral and non-polar, with valine, which is neutral and non-polar, at codon 1094 of the MTOR protein (p.Ile1094Val). This variant is not present in population databases (gnomAD no frequency). This variant has not been reported in the literature in individuals affected with MTOR-related conditions. ClinVar contains an entry for this variant (Variation ID: 2740916). Invitae Evidence Modeling of protein sequence and biophysical properties (such as structural, functional, and spatial information, amino acid conservation, physicochemical variation, residue mobility, and thermodynamic stability) indicates that this missense variant is not expected to disrupt MTOR protein function with a negative predictive value of 95%. In summary, the available evidence is currently insufficient to determine the role of this variant in disease. Therefore, it has been classified as a Variant of Uncertain Significance.

NM_004958.4(MTOR):c.3280A>G (p.Ile1094Val)

Gene: MTOR (mechanistic target of rapamycin kinase; minus strand). Cytogenetic location: 1p36.22.
Variant type: single nucleotide variant.
Coding change: c.3280A>G on transcript NM_004958.4 (MANE Select); coding-DNA position 3280, A replaced by G.
Protein change: p.Ile1094Val; replaces isoleucine 1094 with valine.
Molecular consequence: missense variant.
Genome position (GRCh38, 1-based): chr1:11,213,404, T>C on the plus strand (A>G on the coding strand, the complement: MTOR is on the minus strand). VCF-style: chr1-11213404-T-C. GRCh37 (hg19) VCF-style: chr1-11273461-T-C.
Other names: c.3280A>G, p.Ile1094Val (NM_001386500.1); c.2032A>G, p.Ile678Val (NM_001386501.1); short protein forms I678V, I1094V.
Identifiers: ClinVar variation 2740916 (VCV002740916.3), dbSNP rs1036759003, ClinGen allele CA17919510.